The following is an entry in ClinVar:

NM_000081.4(LYST):c.11401G>C (p.Gly3801Arg)

Gene: LYST (lysosomal trafficking regulator; minus strand). Cytogenetic location: 1q42.3.
Variant type: single nucleotide variant.
Coding change: c.11401G>C on transcript NM_000081.4 (MANE Select); coding-DNA position 11401, G replaced by C.
Protein change: p.Gly3801Arg; replaces glycine 3801 with arginine.
Molecular consequence: missense variant.
Genome position (GRCh38, 1-based): chr1:235,662,945, C>G on the plus strand (G>C on the coding strand, the complement: LYST is on the minus strand). VCF-style: chr1-235662945-C-G. GRCh37 (hg19) VCF-style: chr1-235826245-C-G.
Other names: c.11401G>C (NM_000081.2); c.11401G>C, p.Gly3801Arg (NM_001301365.1); short protein forms G3801R.
Identifiers: ClinVar variation 525177 (VCV000525177.5), dbSNP rs764016310, ClinGen allele CA1465137.

ClinVar aggregate classification (germline): Uncertain significance. Review status: criteria provided, multiple submitters, no conflicts (2 of 4 stars). 3 submissions from 3 submitters: Uncertain significance (3). Last evaluated 2025-01-02.

Conditions:
Inborn genetic diseases. Identifiers: MedGen C0950123, MeSH D030342.
Chédiak-Higashi syndrome (CHS). Also called: Chediak-Higashi Syndrome. Identifiers: Orphanet 167, MedGen C0007965, MONDO:0008963, OMIM 214500.

gnomAD v4.1: 11 of 1,538,070 alleles (0.00072%); highest among the groups gnomAD compares: African/African-American, 0.014%; no homozygotes.

Submissions (3):

Ambry Genetics
Classification: Uncertain significance for Inborn genetic diseases. Last evaluated: 2025-01-02. Review status: criteria provided, single submitter. Criteria: Ambry Variant Classification Scheme 2023. Collection method: clinical testing. Allele origin: germline.

Labcorp Genetics (formerly Invitae), Labcorp
Classification: Uncertain significance for Chédiak-Higashi syndrome. Last evaluated: 2022-07-19. Review status: criteria provided, single submitter. Criteria: Invitae Variant Classification Sherloc (09022015). Collection method: clinical testing. Allele origin: germline.
Comment: This sequence change replaces glycine, which is neutral and non-polar, with arginine, which is basic and polar, at codon 3801 of the LYST protein (p.Gly3801Arg). This variant is present in population databases (rs764016310, gnomAD 0.01%). This variant has not been reported in the literature in individuals affected with LYST-related conditions. ClinVar contains an entry for this variant (Variation ID: 525177). Algorithms developed to predict the effect of missense changes on protein structure and function are either unavailable or do not agree on the potential impact of this missense change (SIFT: "Deleterious"; PolyPhen-2: "Probably Damaging"; Align-GVGD: "Class C0"). In summary, the available evidence is currently insufficient to determine the role of this variant in disease. Therefore, it has been classified as a Variant of Uncertain Significance.

Blueprint Genetics
Classification: Uncertain significance. Last evaluated: 2021-07-20. Review status: criteria provided, single submitter. Criteria: ACMG Guidelines, 2015. Collection method: clinical testing. Allele origin: germline.